The following is an entry in ClinVar:

ClinVar aggregate classification (germline): Uncertain significance (1 of 4 stars; one submission).

Conditions:
Adenylosuccinate lyase deficiency (ADSLD). Also called: ADSL DEFICIENCY. Identifiers: Orphanet 46, MedGen C0268126, MONDO:0007068, OMIM 103050.

Submission:

Labcorp Genetics (formerly Invitae), Labcorp
Classification: Uncertain significance for Adenylosuccinate lyase deficiency. Last evaluated: 2021-01-09. Review status: criteria provided, single submitter. Criteria: Invitae Variant Classification Sherloc (09022015). Collection method: clinical testing. Allele origin: germline.
Comment: This variant occurs in a non-coding region of the ADSL gene. It does not change the encoded amino acid sequence of the ADSL protein. The frequency data for this variant in the population databases is considered unreliable, as metrics indicate insufficient coverage at this position in the ExAC database. This variant has not been reported in the literature in individuals with ADSL-related conditions. Experimental studies and prediction algorithms are not available or were not evaluated, and the functional significance of this variant is currently unknown. In summary, the available evidence is currently insufficient to determine the role of this variant in disease. Therefore, it has been classified as a Variant of Uncertain Significance.

NC_000022.11:g.40345588_40345589insAAG

Gene: ADSL (adenylosuccinate lyase; plus strand). Cytogenetic location: 22q13.1.
Variant type: Insertion.
Genome position: GRCh38 VCF-style: chr22-40345588-A-AAAG. GRCh37 (hg19) VCF-style: chr22-40741592-A-AAAG.
Identifiers: ClinVar variation 1988991 (VCV001988991.5), dbSNP rs377707583, ClinGen allele CA753179504.